The following is an entry in ClinVar:

ClinVar aggregate classification (germline): Conflicting classifications of pathogenicity. Review status: criteria provided, conflicting classifications (1 of 4 stars). 5 submissions from 5 submitters: Uncertain significance (1); Benign (1); Likely benign (3). Last evaluated 2026-01-05.

Conditions:
Acrocallosal syndrome (ACLS). Also called: HALLUX DUPLICATION, POSTAXIAL POLYDACTYLY, AND ABSENCE OF CORPUS CALLOSUM; Schinzel syndrome 1; Absence of corpus callosum with unusual facial appearance, mental deficiency, duplication of the halluces and polydactyly. Identifiers: Orphanet 36, MedGen C0796147, MONDO:0008708, OMIM 200990.

Allele frequency attached by ClinVar (database versions not stated): ESP Exome Variant Server 0.00092; gnomAD 0.00121; TOPMed 0.00152; 1000 Genomes Project 30x 0.00187; 1000 Genomes Project 0.00200.
gnomAD v4.1: 404 of 1,613,048 alleles (0.025%); highest among the groups gnomAD compares: African/African-American, 0.47%; 2 homozygotes.

Submissions (5):

Labcorp Genetics (formerly Invitae), Labcorp
Classification: Benign for Acrocallosal syndrome. Last evaluated: 2026-01-05. Review status: criteria provided, single submitter. Criteria: Invitae Variant Classification Sherloc (09022015). Collection method: clinical testing. Allele origin: germline.

Blueprint Genetics
Classification: Likely benign. Last evaluated: 2024-08-06. Review status: criteria provided, single submitter. Criteria: ACMG Guidelines, 2015. Collection method: clinical testing. Allele origin: germline.

CeGaT Center for Human Genetics Tuebingen
Classification: Likely benign. Last evaluated: 2022-03-01. Review status: criteria provided, single submitter. Criteria: CeGaT Center For Human Genetics Tuebingen Variant Classification Criteria Version 2. Collection method: clinical testing. Allele origin: germline. Affected: yes. Observed: 2 variant alleles.
Comment: KIF7: BP4, BP7

GeneDx
Classification: Likely benign. Last evaluated: 2020-12-16. Review status: criteria provided, single submitter. Criteria: GeneDx Variant Classification Process June 2021. Collection method: clinical testing. Allele origin: germline. Affected: yes.

Eurofins Ntd Llc (ga)
Classification: Uncertain significance. Last evaluated: 2018-05-02. Review status: criteria provided, single submitter. Criteria: EGL ClinVar v180209 classification definitions. Collection method: clinical testing. Allele origin: germline. Observed: 1 variant allele, 1 heterozygote.

NM_198525.3(KIF7):c.3738C>G (p.Pro1246=)

Gene: KIF7 (kinesin family member 7; minus strand). Cytogenetic location: 15q26.1.
Variant type: single nucleotide variant.
Coding change: c.3738C>G on transcript NM_198525.3 (MANE Select); coding-DNA position 3738, C replaced by G.
Protein change: p.Pro1246=; no amino-acid change (proline 1246 retained).
Molecular consequence: synonymous variant.
Genome position (GRCh38, 1-based): chr15:89,628,713, G>C on the plus strand (C>G on the coding strand, the complement: KIF7 is on the minus strand). VCF-style: chr15-89628713-G-C. GRCh37 (hg19) VCF-style: chr15-90171944-G-C.
Identifiers: ClinVar variation 596870 (VCV000596870.59), dbSNP rs144929293, ClinGen allele CA7727558.